The following is an entry in ClinVar:

ClinVar aggregate classification (germline): Uncertain significance. Review status: criteria provided, multiple submitters, no conflicts (2 of 4 stars). 3 submissions from 3 submitters: Uncertain significance (3). Last evaluated 2025-03-19.

Conditions:
DiGeorge syndrome. Also called: Catch22; THIRD AND FOURTH PHARYNGEAL POUCH SYNDROME. Identifiers: Orphanet 567, MedGen C0012236, MONDO:0008564, OMIM 188400.

Allele frequency attached by ClinVar (database versions not stated): gnomAD exomes below 0.00001.
gnomAD v4.1: 11 of 1,545,050 alleles (0.00071%); highest among the groups gnomAD compares: African/African-American, 0.0071%; no homozygotes.

Submissions (3):

Women's Health and Genetics/Laboratory Corporation of America, LabCorp
Classification: Uncertain significance. Last evaluated: 2025-03-19. Review status: criteria provided, single submitter. Criteria: LabCorp Variant Classification Summary - May 2015. Collection method: clinical testing. Allele origin: germline.
Comment: Variant summary: TBX1 c.1253A>T (p.Tyr418Phe) results in a conservative amino acid change in the encoded protein sequence. Three of five in-silico tools predict a damaging effect of the variant on protein function. The variant was absent in 175420 control chromosomes. The available data on variant occurrences in the general population are insufficient to allow any conclusion about variant significance. To our knowledge, no occurrence of c.1253A>T in individuals affected with TBX1-Related Disorders and no experimental evidence demonstrating its impact on protein function have been reported. ClinVar contains an entry for this variant (Variation ID: 658243). Based on the evidence outlined above, the variant was classified as uncertain significance.

Labcorp Genetics (formerly Invitae), Labcorp
Classification: Uncertain significance for DiGeorge syndrome. Last evaluated: 2024-11-05. Review status: criteria provided, single submitter. Criteria: Invitae Variant Classification Sherloc (09022015). Collection method: clinical testing. Allele origin: germline.
Comment: This sequence change replaces tyrosine, which is neutral and polar, with phenylalanine, which is neutral and non-polar, at codon 418 of the TBX1 protein (p.Tyr418Phe). This variant is not present in population databases (gnomAD no frequency). This variant has not been reported in the literature in individuals affected with TBX1-related conditions. ClinVar contains an entry for this variant (Variation ID: 658243). An algorithm developed to predict the effect of missense changes on protein structure and function (PolyPhen-2) suggests that this variant is likely to be disruptive. In summary, the available evidence is currently insufficient to determine the role of this variant in disease. Therefore, it has been classified as a Variant of Uncertain Significance.

GeneDx
Classification: Uncertain significance. Last evaluated: 2022-09-28. Review status: criteria provided, single submitter. Criteria: GeneDx Variant Classification Process June 2021. Collection method: clinical testing. Allele origin: germline. Affected: yes.
Comment: Not observed at significant frequency in large population cohorts (gnomAD); In silico analysis supports that this missense variant does not alter protein structure/function; Has not been previously published as pathogenic or benign to our knowledge

NM_001379200.1(TBX1):c.1280A>T (p.Tyr427Phe)

Gene: TBX1 (T-box transcription factor 1; plus strand). Cytogenetic location: 22q11.21.
Variant type: single nucleotide variant.
Coding change: c.1280A>T on transcript NM_001379200.1 (MANE Select); coding-DNA position 1280, A replaced by T.
Protein change: p.Tyr427Phe; replaces tyrosine 427 with phenylalanine.
Molecular consequence: missense variant. On other transcripts: intron variant (2).
Genome position (GRCh38, 1-based): chr22:19,766,632, A>T. VCF-style: chr22-19766632-A-T. GRCh37 (hg19) VCF-style: chr22-19754155-A-T.
Other names: c.1253A>T, p.Tyr418Phe (NM_080647.1); c.1009+630A>T (NM_005992.1, NM_080646.2); short protein forms Y418F, Y427F.
Identifiers: ClinVar variation 658243 (VCV000658243.10), dbSNP rs1601294456, ClinGen allele CA410684810.